The following is an entry in ClinVar:

NM_000075.4(CDK4):c.633-158A>G

Genes: CDK4 (cyclin dependent kinase 4; minus strand), TSPAN31 (tetraspanin 31; plus strand). Cytogenetic location: 12q14.1.
Variant type: single nucleotide variant.
Coding change: c.633-158A>G on transcript NM_000075.4 (MANE Select); 158 bases into the intron before coding-DNA position 633, A replaced by G.
Molecular consequence: intron variant. On other transcripts: 3 prime UTR variant (3).
Genome position (GRCh38, 1-based): chr12:57,749,662, T>C on the plus strand (A>G on the coding strand, the complement: CDK4 is on the minus strand). VCF-style: chr12-57749662-T-C. GRCh37 (hg19) VCF-style: chr12-58143445-T-C.
Other names: c.*2372T>C (NM_001330168.2, NM_001330169.2, NM_005981.5).
Identifiers: ClinVar variation 677777 (VCV000677777.3), dbSNP rs3211620, ClinGen allele CA237842202.
Genomic context (GRCh38, chr12:57,749,662, plus strand): 5'-AAGGCCAACAATTCCAGCACTTTGGGATGCTGAGGTGAGAGGACTGCTTGAGCCCAGGAG[T>C]TCTAGATCAGCCTGGGCAAGCAAGACCTTGTCTCTTTTTTTAAAAAAAAAGAAATGCCAG-3'

ClinVar aggregate classification (germline): Likely benign. Review status: criteria provided, multiple submitters, no conflicts (2 of 4 stars). 2 submissions from 2 submitters: Likely benign (2). Last evaluated 2018-06-18.

Allele frequency attached by ClinVar (database versions not stated): 1000 Genomes Project 30x 0.00328; 1000 Genomes Project 0.00359; TOPMed 0.00796; gnomAD exomes 0.01103; gnomAD 0.01221.
gnomAD v4.1: 7,857 of 732,070 alleles (1.1%); highest among the groups gnomAD compares: Non-Finnish European, 1.5%; 70 homozygotes.

Submissions (2):

GeneDx
Classification: Likely benign. Last evaluated: 2018-06-18. Review status: criteria provided, single submitter. Criteria: GeneDx Variant Classification (06012015). Collection method: clinical testing. Allele origin: germline. Affected: yes.
Comment: This variant is considered likely benign or benign based on one or more of the following criteria: it is a conservative change, it occurs at a poorly conserved position in the protein, it is predicted to be benign by multiple in silico algorithms, and/or has population frequency not consistent with disease.

Breakthrough Genomics
Classification: Likely benign. Review status: criteria provided, single submitter. Criteria: ACMG Guidelines, 2015. Collection method: not provided. Allele origin: germline. Inheritance: Autosomal dominant inheritance. Affected: yes.